The following is an entry in ClinVar:

NM_020975.6(RET):c.3187+1G>A

Gene: RET (ret proto-oncogene; plus strand). Cytogenetic location: 10q11.21.
Variant type: single nucleotide variant.
Coding change: c.3187+1G>A on transcript NM_020975.6 (MANE Select); the canonical splice donor site of the intron after coding-DNA position 3187, G replaced by A.
Molecular consequence: splice donor variant. On other transcripts: missense variant (18), intron variant (4).
Genome position (GRCh38, 1-based): chr10:43,126,723, G>A. VCF-style: chr10-43126723-G-A. GRCh37 (hg19) VCF-style: chr10-43622171-G-A.
Other names: c.2426G>A, p.Gly809Asp (NM_001355216.2); c.3059G>A, p.Gly1020Asp (NM_001406764.1); c.3053G>A, p.Gly1018Asp (NM_001406765.1); c.2924G>A, p.Gly975Asp (NM_001406768.1); c.2900G>A, p.Gly967Asp (NM_001406770.1); c.2792G>A, p.Gly931Asp (NM_001406772.1); c.2750G>A, p.Gly917Asp (NM_001406773.1); c.2663G>A, p.Gly888Asp (NM_001406774.1); and 24 more; short protein forms G721D, G733D, G809D, G888D, G931D, G967D, G1063D, G628D.
Identifiers: ClinVar variation 4841373 (VCV004841373.1).

ClinVar aggregate classification (germline): Uncertain significance (1 of 4 stars; one submission).

Conditions:
Hereditary cancer-predisposing syndrome. Also called: Neoplastic Syndromes, Hereditary; Tumor predisposition; Hereditary Cancer Syndrome; Hereditary neoplastic syndrome. Identifiers: Orphanet 140162, MedGen C0027672, MeSH D009386, MONDO:0015356.

gnomAD v4.1: 6 of 1,613,794 alleles (0.00037%); highest among the groups gnomAD compares: Non-Finnish European, 0.00051%; no homozygotes.

Submission:

Ambry Genetics
Classification: Uncertain significance for Hereditary cancer-predisposing syndrome. Last evaluated: 2025-12-16. Review status: criteria provided, single submitter. Criteria: Ambry Variant Classification Scheme 2023. Collection method: clinical testing. Allele origin: germline.
Comment: The c.3187+1G>A intronic variant results from a G to A substitution one nucleotide after coding exon 19 of the RET gene. This alteration occurs at the 3' terminus of the gene, is not expected to trigger nonsense-mediated mRNA decay, and only impacts the last 8.9% of the protein. The exact functional effect of this alteration is unknown. This nucleotide position is highly conserved in available vertebrate species. In silico splice site analysis predicts that this alteration may weaken the native splice donor site. Based on the available evidence, the clinical significance of this variant remains unclear.